The following is an entry in ClinVar:

NM_004006.2(DMD):c.-54_649+10dup

Gene: DMD (dystrophin; minus strand). Cytogenetic location: Xp21.1.
Variant type: Duplication.
Coding change: c.-54_649+10dup on transcript NM_004006.2; 54 bases upstream of the start codon through 10 bases into the intron after coding-DNA position 649, this stretch duplicated.
Other names: c.-54_649+10dup (LRG_199t1).
Identifiers: ClinVar variation 660970 (VCV000660970.1).

ClinVar aggregate classification (germline): Uncertain significance (1 of 4 stars; one submission).

Conditions:
Duchenne muscular dystrophy (DMD). Also called: MUSCULAR DYSTROPHY, PSEUDOHYPERTROPHIC PROGRESSIVE, DUCHENNE TYPE; Duchenne Muscular Dystrophy (DMD). Identifiers: Orphanet 98896, MedGen C0013264, MONDO:0010679, OMIM 310200.

Submission:

Labcorp Genetics (formerly Invitae), Labcorp
Classification: Uncertain significance for Duchenne muscular dystrophy. Last evaluated: 2018-11-12. Review status: criteria provided, single submitter. Criteria: Invitae Variant Classification Sherloc (09022015). Collection method: clinical testing. Allele origin: germline.
Comment: This variant results in a copy number gain of the genomic region encompassing exons 1-7 of the DMD gene. The 5' end of this event is unknown as it extends beyond the assayed region for this gene and therefore may encompass additional genes. The 3' boundary is likely confined to intron 7 of the DMD gene. As the precise location of this event is unknown, it may be in tandem or it may be located elsewhere in the genome. This variant has been observed in an individual affected with Duchenne muscular dystrophy (PMID:Â¬â€ 21515508). In summary, the available evidence is currently insufficient to determine the role of this variant in disease. Therefore, it has been classified as a Variant of Uncertain Significance.